The following is an entry in ClinVar:

ClinVar aggregate classification (germline): Uncertain significance (1 of 4 stars; one submission).

Submission:

GeneDx
Classification: Uncertain significance. Last evaluated: 2025-10-17. Review status: criteria provided, single submitter. Criteria: GeneDx Variant Classification Process June 2021. Collection method: clinical testing. Allele origin: germline.
Comment: Has not been previously published as pathogenic or benign to our knowledge; Not observed at significant frequency in large population cohorts (gnomAD); In silico analysis indicates that this missense variant does not alter protein structure/function.

NM_004859.4(CLTC):c.1064A>G (p.Asn355Ser)

Gene: CLTC (clathrin heavy chain; plus strand). Cytogenetic location: 17q23.1.
Variant type: single nucleotide variant.
Coding change: c.1064A>G on transcript NM_004859.4 (MANE Select); coding-DNA position 1064, A replaced by G.
Protein change: p.Asn355Ser; replaces asparagine 355 with serine.
Molecular consequence: missense variant.
Genome position (GRCh38, 1-based): chr17:59,660,485, A>G. VCF-style: chr17-59660485-A-G. GRCh37 (hg19) VCF-style: chr17-57737846-A-G.
Other names: c.1076A>G, p.Asn359Ser (NM_001288653.2); short protein forms N355S, N359S.
Identifiers: ClinVar variation 3900246 (VCV003900246.2).